The following is an entry in ClinVar:

ClinVar aggregate classification (germline): Pathogenic. Review status: criteria provided, multiple submitters, no conflicts (2 of 4 stars). 4 submissions from 4 submitters: Pathogenic (3). 1 of the submissions does not count toward it. Last evaluated 2023-04-15.

Conditions:
Inborn genetic diseases. Identifiers: MedGen C0950123, MeSH D030342.
Cornelia de Lange syndrome 1 (CDLS1). Also called: NIPBL-Related Cornelia de Lange Syndrome; TYPUS DEGENERATIVUS AMSTELODAMENSIS; Brachmann de Lange syndrome. Identifiers: Orphanet 199, MedGen C4551851, MONDO:0007387, OMIM 122470.

Submissions (4):

Labcorp Genetics (formerly Invitae), Labcorp
Classification: Pathogenic for Cornelia de Lange syndrome 1. Last evaluated: 2023-04-15. Review status: criteria provided, single submitter. Criteria: Invitae Variant Classification Sherloc (09022015). Collection method: clinical testing. Allele origin: germline.
Comment: For these reasons, this variant has been classified as Pathogenic. ClinVar contains an entry for this variant (Variation ID: 521020). This premature translational stop signal has been observed in individual(s) with clinical features of NIPBL-related conditions and/or Cornelia de Lange syndrome (PMID: 15318302, 30692697, 34411415). In at least one individual the variant was observed to be de novo. This variant is not present in population databases (gnomAD no frequency). This sequence change creates a premature translational stop signal (p.Arg479*) in the NIPBL gene. It is expected to result in an absent or disrupted protein product. Loss-of-function variants in NIPBL are known to be pathogenic (PMID: 15318302, 19763162, 23505322, 29995837).

Revvity Omics, Revvity
Classification: Pathogenic for Cornelia de Lange syndrome 1. Last evaluated: 2020-06-23. Review status: criteria provided, single submitter. Criteria: ACMG Guidelines, 2015. Collection method: clinical testing. Allele origin: germline.

Ambry Genetics
Classification: Pathogenic for Inborn genetic diseases. Last evaluated: 2016-04-13. Review status: criteria provided, single submitter. Criteria: Ambry exome assertion method (8-5-2015). Collection method: clinical testing. Allele origin: germline. Affected: yes. Observed: 1 variant allele.

Baylor Genetics
Classification: Pathogenic for Cornelia de Lange Syndrome 1. Last evaluated: 2018-11-18. Review status: no assertion criteria provided. Collection method: clinical testing. Allele origin: germline. Affected: yes. Not counted in ClinVar's aggregate classification.

Literature cited by the submitters: PubMed 15318302 (cited by Labcorp Genetics (formerly Invitae), Labcorp); PubMed 30692697 (cited by Labcorp Genetics (formerly Invitae), Labcorp); PubMed 34411415 (cited by Labcorp Genetics (formerly Invitae), Labcorp); PubMed 19763162 (cited by Labcorp Genetics (formerly Invitae), Labcorp); PubMed 23505322 (cited by Labcorp Genetics (formerly Invitae), Labcorp); PubMed 29995837 (cited by Labcorp Genetics (formerly Invitae), Labcorp).

NM_133433.4(NIPBL):c.1435C>T (p.Arg479Ter)

Gene: NIPBL (NIPBL cohesin loading factor; plus strand). Cytogenetic location: 5p13.2.
Variant type: single nucleotide variant.
Coding change: c.1435C>T on transcript NM_133433.4 (MANE Select); coding-DNA position 1435, C replaced by T.
Protein change: p.Arg479Ter; replaces arginine 479 with a stop codon.
Molecular consequence: nonsense.
Genome position (GRCh38, 1-based): chr5:36,976,342, C>T. VCF-style: chr5-36976342-C-T. GRCh37 (hg19) VCF-style: chr5-36976444-C-T.
Other names: c.1435C>T, p.Arg479Ter (NM_015384.5); short protein forms R479*.
Identifiers: ClinVar variation 521020 (VCV000521020.11), dbSNP rs1554015303, ClinGen allele CA359487576.